The following is an entry in ClinVar:

ClinVar aggregate classification (germline): Benign/Likely benign. Review status: criteria provided, multiple submitters, no conflicts (2 of 4 stars). 3 submissions from 3 submitters: Benign (1); Likely benign (2). Last evaluated 2025-07-10.

Conditions:
Hereditary cancer-predisposing syndrome. Also called: Hereditary Cancer Syndrome; Tumor predisposition; Neoplastic Syndromes, Hereditary; Hereditary neoplastic syndrome. Identifiers: Orphanet 140162, MedGen C0027672, MeSH D009386, MONDO:0015356.
Multiple endocrine neoplasia, type 1 (MEN1). Also called: MEA I; MEN I; WERMER SYNDROME; Endocrine adenomatosis multiple; MEN 1. Identifiers: Orphanet 652, MedGen C0025267, MeSH D018761, MONDO:0007540, OMIM 131100.

Submissions (3):

Ambry Genetics
Classification: Likely benign for Hereditary cancer-predisposing syndrome. Last evaluated: 2025-07-10. Review status: criteria provided, single submitter. Criteria: Ambry Variant Classification Scheme 2023. Collection method: clinical testing. Allele origin: germline.

Myriad Genetics, Inc.
Classification: Benign for Multiple endocrine neoplasia, type 1. Last evaluated: 2024-10-31. Review status: criteria provided, single submitter. Criteria: Myriad Autosomal Dominant, Autosomal Recessive and X-Linked Classification Criteria (2023). Collection method: clinical testing. Allele origin: unknown.
Comment: This variant is considered benign. This variant is a silent/synonymous amino acid change and it is not expected to impact splicing.

Labcorp Genetics (formerly Invitae), Labcorp
Classification: Likely benign for Multiple endocrine neoplasia, type 1. Last evaluated: 2024-01-06. Review status: criteria provided, single submitter. Criteria: Invitae Variant Classification Sherloc (09022015). Collection method: clinical testing. Allele origin: germline.

NM_001370259.2(MEN1):c.351G>A (p.Leu117=)

Gene: MEN1 (menin 1; minus strand). Cytogenetic location: 11q13.1.
Variant type: single nucleotide variant.
Coding change: c.351G>A on transcript NM_001370259.2 (MANE Select); coding-DNA position 351, G replaced by A.
Protein change: p.Leu117=; no amino-acid change (leucine 117 retained).
Molecular consequence: synonymous variant. On other transcripts: non-coding transcript variant (4).
Genome position (GRCh38, 1-based): chr11:64,809,759, C>T on the plus strand (G>A on the coding strand, the complement: MEN1 is on the minus strand). VCF-style: chr11-64809759-C-T. GRCh37 (hg19) VCF-style: chr11-64577231-C-T.
Other names: c.351G>A, p.Leu117= (NM_000244.4, NM_001370251.2, NM_001370260.2 and 20 more transcripts).
Identifiers: ClinVar variation 2899342 (VCV002899342.5), dbSNP rs2136182319, ClinGen allele CA475163392.